The following is an entry in ClinVar:

NM_001130144.3(LTBP3):c.731G>A (p.Arg244His)

Gene: LTBP3 (latent transforming growth factor beta binding protein 3; minus strand). Cytogenetic location: 11q13.1.
Variant type: single nucleotide variant.
Coding change: c.731G>A on transcript NM_001130144.3 (MANE Select); coding-DNA position 731, G replaced by A.
Protein change: p.Arg244His; replaces arginine 244 with histidine.
Molecular consequence: missense variant.
Genome position (GRCh38, 1-based): chr11:65,553,834, C>T on the plus strand (G>A on the coding strand, the complement: LTBP3 is on the minus strand). VCF-style: chr11-65553834-C-T. GRCh37 (hg19) VCF-style: chr11-65321305-C-T.
Other names: c.380G>A, p.Arg127His (NM_001164266.1); c.731G>A, p.Arg244His (NM_021070.4); short protein forms R127H, R244H.
Identifiers: ClinVar variation 4101317 (VCV004101317.2).
Genomic context (GRCh38, chr11:65,553,834, plus strand): 5'-TTGGGGTGCGGCAGCAGGTGCTGGGAGGGGGCTGCGCTCTCGGCGTTCGAGCTCTCAATG[C>T]GGTGCACCTGGACTGAGGCCTCGGGCGGGTGATGGACGCGCACATTCACCACGGGGGGCG-3'
Protein context (NP_001123616.1, residues 234-254): HPPEASVQVH[Arg244His]IESSNAESAA

ClinVar aggregate classification (germline): Uncertain significance. Review status: criteria provided, multiple submitters, no conflicts (2 of 4 stars). 2 submissions from 2 submitters: Uncertain significance (2). Last evaluated 2025-08-20.

Conditions:
LTBP3-related disorder. Also called: LTBP3-related condition.
Inborn genetic diseases. Identifiers: MedGen C0950123, MeSH D030342.

Submissions (2):

Ambry Genetics
Classification: Uncertain significance for Inborn genetic diseases. Last evaluated: 2025-08-20. Review status: criteria provided, single submitter. Criteria: Ambry Variant Classification Scheme 2023. Collection method: clinical testing. Allele origin: germline.
Comment: The p.R244H variant (also known as c.731G>A), located in coding exon 3 of the LTBP3 gene, results from a G to A substitution at nucleotide position 731. The arginine at codon 244 is replaced by histidine, an amino acid with highly similar properties. This amino acid position is conserved. In addition, the in silico prediction for this alteration is inconclusive. Based on the available evidence, the clinical significance of this variant remains unclear.

PreventionGenetics, part of Exact Sciences
Classification: Uncertain significance for LTBP3-related condition. Last evaluated: 2025-08-15. Review status: criteria provided, single submitter. Criteria: ACMG Guidelines, 2015. Collection method: clinical testing. Allele origin: germline.
Comment: The LTBP3 c.731G>A variant is predicted to result in the amino acid substitution p.Arg244His. To our knowledge, this variant has not been reported in the literature. This variant is absent from gnomAD, indicating it is rare. At this time, the clinical significance of this variant is uncertain due to the absence of conclusive functional and genetic evidence.